The following is an entry in ClinVar:

NM_001378452.1(ITPR1):c.3746A>G (p.Glu1249Gly)

Gene: ITPR1 (inositol 1,4,5-trisphosphate receptor type 1; plus strand). Cytogenetic location: 3p26.1.
Variant type: single nucleotide variant.
Coding change: c.3746A>G on transcript NM_001378452.1 (MANE Select); coding-DNA position 3746, A replaced by G.
Protein change: p.Glu1249Gly; replaces glutamic acid 1249 with glycine.
Molecular consequence: missense variant.
Genome position (GRCh38, 1-based): chr3:4,688,538, A>G. VCF-style: chr3-4688538-A-G. GRCh37 (hg19) VCF-style: chr3-4730222-A-G.
Other names: c.3719A>G, p.Glu1240Gly (NM_001099952.4); c.3701A>G, p.Glu1234Gly (NM_001168272.2); c.3674A>G, p.Glu1225Gly (NM_002222.7); short protein forms E1240G, E1225G, E1234G, E1249G.
Identifiers: ClinVar variation 4040404 (VCV004040404.4).
Genomic context (GRCh38, chr3:4,688,538, plus strand): 5'-TGTCTCCTCCCACACAGGCCGAAGATACCAAGATGCAAGAGATAATGAGGTTGGCTCATG[A>G]ATTTTTGCAGAATTTCTGCGCAGGCAACCAGCAGAATCAAGCTTTGCTACATAAACACAT-3'
Protein context (NP_001365381.1, residues 1239-1259): KMQEIMRLAH[Glu1249Gly]FLQNFCAGNQ

ClinVar aggregate classification (germline): Uncertain significance. Review status: criteria provided, multiple submitters, no conflicts (2 of 4 stars). 3 submissions from 3 submitters: Uncertain significance (3). Last evaluated 2025-12-11.

Conditions:
Inborn genetic diseases. Identifiers: MedGen C0950123, MeSH D030342.

gnomAD v4.1: 2 of 1,614,018 alleles (0.00012%); highest among the groups gnomAD compares: Non-Finnish European, 0.00017%; no homozygotes.

Submissions (3):

Dasa
Classification: Uncertain significance. Last evaluated: 2025-12-11. Review status: criteria provided, single submitter. Criteria: DASA Assertion Criteria. Collection method: clinical testing. Allele origin: germline.
Comment: NM_001378452.1(ITPR1):c.3746A>G (p.Glu1249Gly) is a missense variant that results in the substitution of glutamic acid with glycine. This variant is rare in population databases. The currently available literature and clinical evidence are not sufficient to establish a definitive association between this variant and the reported condition. Therefore, this variant is classified as a variant of uncertain significance.

Ambry Genetics
Classification: Uncertain significance for Inborn genetic diseases. Last evaluated: 2025-06-11. Review status: criteria provided, single submitter. Criteria: Ambry Variant Classification Scheme 2023. Collection method: clinical testing. Allele origin: germline.

Labcorp Genetics (formerly Invitae), Labcorp
Classification: Uncertain significance. Last evaluated: 2025-02-28. Review status: criteria provided, single submitter. Criteria: Invitae Variant Classification Sherloc (09022015). Collection method: clinical testing. Allele origin: germline.
Comment: This sequence change replaces glutamic acid, which is acidic and polar, with glycine, which is neutral and non-polar, at codon 1225 of the ITPR1 protein (p.Glu1225Gly). This variant is present in population databases (rs771396637, gnomAD 0.0009%). This variant has not been reported in the literature in individuals affected with ITPR1-related conditions. Invitae Evidence Modeling of protein sequence and biophysical properties (such as structural, functional, and spatial information, amino acid conservation, physicochemical variation, residue mobility, and thermodynamic stability) indicates that this missense variant is not expected to disrupt ITPR1 protein function with a negative predictive value of 95%. In summary, the available evidence is currently insufficient to determine the role of this variant in disease. Therefore, it has been classified as a Variant of Uncertain Significance.